The following is an entry in ClinVar:

ClinVar aggregate classification (germline): Uncertain significance (1 of 4 stars; one submission).

Submission:

GeneDx
Classification: Uncertain significance. Last evaluated: 2022-11-12. Review status: criteria provided, single submitter. Criteria: GeneDx Variant Classification Process June 2021. Collection method: clinical testing. Allele origin: germline. Affected: yes.
Comment: Not observed at significant frequency in large population cohorts (gnomAD); In silico analysis supports that this missense variant does not alter protein structure/function; Has not been previously published as pathogenic or benign to our knowledge

NM_001046.3(SLC12A2):c.759A>C (p.Glu253Asp)

Gene: SLC12A2 (solute carrier family 12 member 2; plus strand). Cytogenetic location: 5q23.3.
Variant type: single nucleotide variant.
Coding change: c.759A>C on transcript NM_001046.3 (MANE Select); coding-DNA position 759, A replaced by C.
Protein change: p.Glu253Asp; replaces glutamic acid 253 with aspartic acid.
Molecular consequence: missense variant. On other transcripts: non-coding transcript variant (1).
Genome position (GRCh38, 1-based): chr5:128,112,816, A>C. VCF-style: chr5-128112816-A-C. GRCh37 (hg19) VCF-style: chr5-127448508-A-C.
Other names: c.759A>C, p.Glu253Asp (NM_001256461.2); short protein forms E253D.
Identifiers: ClinVar variation 2501945 (VCV002501945.1), dbSNP rs2479287707, ClinGen allele CA360737653.